The following is an entry in ClinVar:

NM_001378477.3(NYX):c.745C>T (p.Arg249Trp)

Gene: NYX (nyctalopin; plus strand). Cytogenetic location: Xp11.4.
Variant type: single nucleotide variant.
Coding change: c.745C>T on transcript NM_001378477.3 (MANE Select); coding-DNA position 745, C replaced by T.
Protein change: p.Arg249Trp; replaces arginine 249 with tryptophan.
Molecular consequence: missense variant.
Genome position (GRCh38, 1-based): chrX:41,474,213, C>T. VCF-style: chrX-41474213-C-T. GRCh37 (hg19) VCF-style: chrX-41333466-C-T.
Other names: c.760C>T (NM_022567.2); c.745C>T, p.Arg249Trp (NM_022567.3); short protein forms R249W.
Identifiers: ClinVar variation 1092370 (VCV001092370.13), dbSNP rs188293278, ClinGen allele CA10389852.

ClinVar aggregate classification (germline): Conflicting classifications of pathogenicity. Review status: criteria provided, conflicting classifications (1 of 4 stars). 4 submissions from 4 submitters: Uncertain significance (1); Likely benign (3). Last evaluated 2026-01-05.

Conditions:
NYX-related disorder. Also called: NYX-related condition.
Inborn genetic diseases. Identifiers: MedGen C0950123, MeSH D030342.

Allele frequency attached by ClinVar (database versions not stated): gnomAD exomes 0.00004 and 0.00011; ExAC 0.00033; TOPMed 0.00039; gnomAD 0.00040 and 0.00041; 1000 Genomes Project 0.00053; 1000 Genomes Project 30x 0.00062.

Submissions (4):

Labcorp Genetics (formerly Invitae), Labcorp
Classification: Likely benign. Last evaluated: 2026-01-05. Review status: criteria provided, single submitter. Criteria: Invitae Variant Classification Sherloc (09022015). Collection method: clinical testing. Allele origin: germline.

Ambry Genetics
Classification: Uncertain significance for Inborn genetic diseases. Last evaluated: 2025-08-14. Review status: criteria provided, single submitter. Criteria: Ambry Variant Classification Scheme 2023. Collection method: clinical testing. Allele origin: germline.

PreventionGenetics, part of Exact Sciences
Classification: Likely benign for NYX-related condition. Last evaluated: 2024-10-16. Review status: criteria provided, single submitter. Criteria: ACMG Guidelines, 2015. Collection method: clinical testing. Allele origin: germline.
Comment: This variant is classified as likely benign based on ACMG/AMP sequence variant interpretation guidelines (Richards et al. 2015 PMID: 25741868, with internal and published modifications).

Blueprint Genetics
Classification: Likely benign. Last evaluated: 2023-06-06. Review status: criteria provided, single submitter. Criteria: ACMG Guidelines, 2015. Collection method: clinical testing. Allele origin: germline.